The following is an entry in ClinVar:

ClinVar aggregate classification (germline): Uncertain significance (1 of 4 stars; one submission).

Submission:

GeneDx
Classification: Uncertain significance. Last evaluated: 2026-09-18. Review status: criteria provided, single submitter. Criteria: GeneDx Variant Classification Process June 2021. Collection method: clinical testing. Allele origin: germline.
Comment: Not observed at significant frequency in large population cohorts (gnomAD); In silico analysis supports that this missense variant has a deleterious effect on protein structure/function; Has not been previously published as pathogenic or benign to our knowledge

NM_015215.4(CAMTA1):c.415A>G (p.Lys139Glu)

Gene: CAMTA1 (calmodulin binding transcription activator 1; plus strand). Cytogenetic location: 1p36.23.
Variant type: single nucleotide variant.
Coding change: c.415A>G on transcript NM_015215.4 (MANE Select); coding-DNA position 415, A replaced by G.
Protein change: p.Lys139Glu; replaces lysine 139 with glutamic acid.
Molecular consequence: missense variant.
Genome position (GRCh38, 1-based): chr1:7,249,603, A>G. VCF-style: chr1-7249603-A-G. GRCh37 (hg19) VCF-style: chr1-7309663-A-G.
Other names: c.325A>G, p.Lys109Glu (NM_001349608.2, NM_001349612.2); c.415A>G, p.Lys139Glu (NM_001349609.2, NM_001349610.2, NM_001410737.1 and 1 more transcripts); short protein forms K109E, K139E.
Identifiers: ClinVar variation 4056896 (VCV004056896.2).